The following is an entry in ClinVar:

ClinVar aggregate classification (germline): Conflicting classifications of pathogenicity. Review status: criteria provided, conflicting classifications (1 of 4 stars). 8 submissions from 8 submitters: Uncertain significance (4); Benign (2); Likely benign (2). Last evaluated 2026-10-08.

Conditions:
DSP-related disorder. Also called: DSP-related disorders; DSP-related condition.
Cardiovascular phenotype. Identifiers: MedGen CN230736.
Cardiomyopathy (CMYO). Also called: Cardiomyopathies. Identifiers: Orphanet 167848, MedGen C0878544, MONDO:0004994, HP:0001638. Inheritance: Various modes of inheritance.
Arrhythmogenic cardiomyopathy with wooly hair and keratoderma. Also called: PALMOPLANTAR KERATODERMA WITH LEFT VENTRICULAR CARDIOMYOPATHY AND WOOLLY HAIR; Dilated cardiomyopathy with woolly hair and keratoderma; Arrhythmogenic cardiomyopathy with woolly hair and keratoderma; Carvajal syndrome. Identifiers: Orphanet 65282, MedGen C1854063, MONDO:0011581, OMIM 605676.
Arrhythmogenic right ventricular dysplasia 8 (ARVD8). Also called: Arrhythmogenic Right Ventricular Dysplasia/Cardiomyopathy 8; ARRHYTHMOGENIC RIGHT VENTRICULAR DYSPLASIA, FAMILIAL, 8; ARRHYTHMOGENIC RIGHT VENTRICULAR CARDIOMYOPATHY 8. Identifiers: MedGen C1843896, MONDO:0011831, OMIM 607450.
Primary dilated cardiomyopathy (DCM). Also called: Dilated Cardiomyopathy. Identifiers: Orphanet 217604, MedGen C0007193, MeSH D002311, MONDO:0005021, HP:0001644. Inheritance: Various modes of inheritance.

Allele frequency attached by ClinVar (database versions not stated): gnomAD 0.00016; TOPMed 0.00019; gnomAD exomes 0.00001 and 0.00003; ExAC 0.00003; ESP Exome Variant Server 0.00008; 1000 Genomes Project 0.00020; 1000 Genomes Project 30x 0.00016.
gnomAD v4.1: 41 of 1,614,010 alleles (0.0025%); highest among the groups gnomAD compares: African/African-American, 0.053%; no homozygotes.

Submissions (8):

GeneDx
Classification: Uncertain significance. Last evaluated: 2026-10-08. Review status: criteria provided, single submitter. Criteria: GeneDx Variant Classification Process June 2021. Collection method: clinical testing. Allele origin: germline.
Comment: Identified in patients with DCM in published literature (PMID: 30847666, 37652022, 34137518); In silico analysis suggests that this missense variant does not alter protein structure/function; This variant is associated with the following publications: (PMID: 30847666, 34137518, 37652022, 38612618)

PreventionGenetics, part of Exact Sciences
Classification: Uncertain significance for DSP-related condition. Last evaluated: 2026-01-21. Review status: criteria provided, single submitter. Criteria: ACMG Guidelines, 2015. Collection method: clinical testing. Allele origin: germline.
Comment: The DSP c.1949A>G variant is predicted to result in the amino acid substitution p.Asn650Ser. This variant was reported in an individual with dilated cardiomyopathy (Supplementary File 2, van Lint et al. 2019. PubMed ID: 30847666; Table S9, McGurk et al. 2023. PubMed ID: 37652022). This variant is reported in 0.040% of alleles in individuals of African descent in gnomAD. At this time, the clinical significance of this variant is uncertain due to the absence of conclusive functional and genetic evidence.

Labcorp Genetics (formerly Invitae), Labcorp
Classification: Benign for Arrhythmogenic cardiomyopathy with wooly hair and keratoderma; Arrhythmogenic right ventricular dysplasia 8. Last evaluated: 2025-12-23. Review status: criteria provided, single submitter. Criteria: Invitae Variant Classification Sherloc (09022015). Collection method: clinical testing. Allele origin: germline.

Ambry Genetics
Classification: Benign for Cardiovascular phenotype. Last evaluated: 2024-06-11. Review status: criteria provided, single submitter. Criteria: Ambry Variant Classification Scheme 2023. Collection method: clinical testing. Allele origin: germline.

Women's Health and Genetics/Laboratory Corporation of America, LabCorp
Classification: Uncertain significance. Last evaluated: 2022-08-16. Review status: criteria provided, single submitter. Criteria: LabCorp Variant Classification Summary - May 2015. Collection method: clinical testing. Allele origin: germline.
Comment: Variant summary: DSP c.1949A>G (p.Asn650Ser) results in a conservative amino acid change in the encoded protein sequence. Four of five in-silico tools predict a benign effect of the variant on protein function. The variant allele was found at a frequency of 3.5e-05 in 282332 control chromosomes (gnomAD), predominantly at a frequency of 0.0004 within the African or African-American subpopulation in the gnomAD database. The observed variant frequency within African or African-American control individuals in the gnomAD database is approximately 2 fold of the estimated maximal expected allele frequency for a pathogenic variant in DSP causing Arrhythmogenic Right Ventricular Dysplasia/Cardiomyopathy (0.0002), suggesting that the variant is a benign polymorphism found primarily in populations of African or African-American origin. c.1949A>G has been reported in the literature in individuals affected with Dilated Cardiomyopathy (van Lint_2019, Al-Shafai_2021), but these reports do not provide unequivocal conclusions about association of the variant with Arrhythmogenic Right Ventricular Dysplasia/Cardiomyopathy. To our knowledge, no experimental evidence demonstrating an impact on protein function has been reported. Three ClinVar submitters have assessed the variant since 2014: two classified the variant as of uncertain significance, and one as likely benign. Based on the evidence outlined above, the variant was classified as VUS-possibly benign.

Color Diagnostics, LLC DBA Color Health
Classification: Likely benign for Cardiomyopathy. Last evaluated: 2019-12-02. Review status: criteria provided, single submitter. Criteria: ACMG Guidelines, 2015. Collection method: clinical testing. Allele origin: germline.

Laboratory for Molecular Medicine, Mass General Brigham Personalized Medicine
Classification: Uncertain significance. Last evaluated: 2013-10-14. Review status: criteria provided, single submitter. Criteria: LMM Criteria. Collection method: clinical testing. Allele origin: germline. Observed: 3 variant alleles.
Comment: The Asn650Ser variant in DSP has now been identified by our laboratory in 2 Blac k individuals with HCM, 1 of whom carried a pathogenic variant in another gene. This variant has also been identified in 1/4406 African American chromosomes by the NHLBI Exome Sequencing Project (dbSNP rs1 45650440). Computational analyses (biochemical amino acid properties, conservati on, AlignGVGD, PolyPhen2, and SIFT) do not provide strong support for or against an impact to the protein. In summary, additional information is needed to fully assess the clinical significance of this variant.

Genetics and Genomics Program, Sidra Medicine
Classification: Likely benign for Primary dilated cardiomyopathy. Review status: criteria provided, single submitter. Criteria: ACMG Guidelines, 2015. Collection method: research. Allele origin: unknown. Affected: yes. Observed: 1 variant allele.

Literature cited by the submitters: PubMed 30847666 (cited by Ambry Genetics and Women's Health and Genetics/Laboratory Corporation of America, LabCorp); PubMed 34137518 (cited by Women's Health and Genetics/Laboratory Corporation of America, LabCorp).

NM_004415.4(DSP):c.1949A>G (p.Asn650Ser)

Gene: DSP (desmoplakin; plus strand). Cytogenetic location: 6p24.3.
Variant type: single nucleotide variant.
Coding change: c.1949A>G on transcript NM_004415.4 (MANE Select); coding-DNA position 1949, A replaced by G.
Protein change: p.Asn650Ser; replaces asparagine 650 with serine.
Molecular consequence: missense variant.
Genome position (GRCh38, 1-based): chr6:7,571,887, A>G. VCF-style: chr6-7571887-A-G. GRCh37 (hg19) VCF-style: chr6-7572120-A-G.
Other names: c.1949A>G, p.Asn650Ser (NM_001008844.3, NM_001319034.2); short protein forms N650S.
Identifiers: ClinVar variation 44869 (VCV000044869.26), dbSNP rs145650440, ClinGen allele CA005202.